The following is an entry in ClinVar:

NM_001204375.2(NPR3):c.51G>C (p.Trp17Cys)

Genes: NPR3 (natriuretic peptide receptor 3; plus strand), LOC123493284 (Sharpr-MPRA regulatory region 158; plus strand). Cytogenetic location: 5p13.3.
Variant type: single nucleotide variant.
Coding change: c.51G>C on transcript NM_001204375.2 (MANE Select); coding-DNA position 51, G replaced by C.
Protein change: p.Trp17Cys; replaces tryptophan 17 with cysteine.
Molecular consequence: missense variant. On other transcripts: intron variant (4).
Genome position (GRCh38, 1-based): chr5:32,711,827, G>C. VCF-style: chr5-32711827-G-C. GRCh37 (hg19) VCF-style: chr5-32711933-G-C.
Other names: c.51G>C, p.Trp17Cys (NM_000908.4); c.50-12871G>C (NM_001364458.2); c.121+1044G>C (NM_001363652.2, NM_001204376.2, NM_001364460.2); c.51G>C (NM_001204375.1); short protein forms W17C.
Identifiers: ClinVar variation 1949004 (VCV001949004.6), dbSNP rs979108655, ClinGen allele CA116849157.

ClinVar aggregate classification (germline): Uncertain significance. Review status: criteria provided, multiple submitters, no conflicts (2 of 4 stars). 2 submissions from 2 submitters: Uncertain significance (2). Last evaluated 2025-08-30.

Conditions:
Inborn genetic diseases. Identifiers: MedGen C0950123, MeSH D030342.

Allele frequency attached by ClinVar (database versions not stated): TOPMed 0.00002; gnomAD 0.00003.
gnomAD v4.1: 8 of 1,459,206 alleles (0.00055%); highest among the groups gnomAD compares: African/African-American, 0.0043%; no homozygotes.

Submissions (2):

Ambry Genetics
Classification: Uncertain significance for Inborn genetic diseases. Last evaluated: 2025-08-30. Review status: criteria provided, single submitter. Criteria: Ambry Variant Classification Scheme 2023. Collection method: clinical testing. Allele origin: germline.

Labcorp Genetics (formerly Invitae), Labcorp
Classification: Uncertain significance. Last evaluated: 2022-10-18. Review status: criteria provided, single submitter. Criteria: Invitae Variant Classification Sherloc (09022015). Collection method: clinical testing. Allele origin: germline.
Comment: In summary, the available evidence is currently insufficient to determine the role of this variant in disease. Therefore, it has been classified as a Variant of Uncertain Significance. This sequence change replaces tryptophan, which is neutral and slightly polar, with cysteine, which is neutral and slightly polar, at codon 17 of the NPR3 protein (p.Trp17Cys). This variant is present in population databases (no rsID available, gnomAD 0.01%). This variant has not been reported in the literature in individuals affected with NPR3-related conditions. Algorithms developed to predict the effect of missense changes on protein structure and function output the following: SIFT: "Tolerated"; PolyPhen-2: "Benign"; Align-GVGD: "Class C15". The cysteine amino acid residue is found in multiple mammalian species, which suggests that this missense change does not adversely affect protein function.